The following is an entry in ClinVar:

NM_017563.5(IL17RD):c.2102G>T (p.Gly701Val)

Genes: IL17RD (interleukin 17 receptor D; minus strand), LOC126806689 (BRD4-independent group 4 enhancer GRCh37_chr3:57131244-57132443; plus strand). Cytogenetic location: 3p14.3.
Variant type: single nucleotide variant.
Coding change: c.2102G>T on transcript NM_017563.5 (MANE Select); coding-DNA position 2102, G replaced by T.
Protein change: p.Gly701Val; replaces glycine 701 with valine.
Molecular consequence: missense variant.
Genome position (GRCh38, 1-based): chr3:57,097,601, C>A on the plus strand (G>T on the coding strand, the complement: IL17RD is on the minus strand). VCF-style: chr3-57097601-C-A. GRCh37 (hg19) VCF-style: chr3-57131629-C-A.
Other names: c.1670G>T, p.Gly557Val (NM_001318864.2); short protein forms G557V, G701V.
Identifiers: ClinVar variation 4697993 (VCV004697993.1).

ClinVar aggregate classification (germline): Uncertain significance (1 of 4 stars; one submission).

gnomAD v4.1: 4 of 1,571,320 alleles (0.00025%); highest among the groups gnomAD compares: East Asian, 0.0024%; no homozygotes.

Submission:

Labcorp Genetics (formerly Invitae), Labcorp
Classification: Uncertain significance. Last evaluated: 2025-09-24. Review status: criteria provided, single submitter. Criteria: Invitae Variant Classification Sherloc (09022015). Collection method: clinical testing. Allele origin: germline.
Comment: This sequence change replaces glycine, which is neutral and non-polar, with valine, which is neutral and non-polar, at codon 701 of the IL17RD protein (p.Gly701Val). This variant is not present in population databases (gnomAD no frequency). This variant has not been reported in the literature in individuals affected with IL17RD-related conditions. Invitae Evidence Modeling of protein sequence and biophysical properties (such as structural, functional, and spatial information, amino acid conservation, physicochemical variation, residue mobility, and thermodynamic stability) indicates that this missense variant is expected to disrupt IL17RD protein function with a positive predictive value of 80%. In summary, the available evidence is currently insufficient to determine the role of this variant in disease. Therefore, it has been classified as a Variant of Uncertain Significance.